The following is an entry in ClinVar:

NM_007186.6(CEP250):c.6919C>T (p.Arg2307Trp)

Gene: CEP250 (centrosomal protein 250; plus strand). Cytogenetic location: 20q11.22.
Variant type: single nucleotide variant.
Coding change: c.6919C>T on transcript NM_007186.6 (MANE Select); coding-DNA position 6919, C replaced by T.
Protein change: p.Arg2307Trp; replaces arginine 2307 with tryptophan.
Molecular consequence: missense variant.
Genome position (GRCh38, 1-based): chr20:35,508,955, C>T. VCF-style: chr20-35508955-C-T. GRCh37 (hg19) VCF-style: chr20-34096784-C-T.
Other names: c.5023C>T, p.Arg1675Trp (NM_001318219.1); short protein forms R1675W, R2307W.
Identifiers: ClinVar variation 1511179 (VCV001511179.3), dbSNP rs915467191, ClinGen allele CA314164672.
Genomic context (GRCh38, chr20:35,508,955, plus strand): 5'-AACCACAGAGCCAAGCCGAGCCCTGATTTCTTATTTGCACCTTGGCAGGTGGAGCGAGAA[C>T]GGAGGAAGCTGAAGAGGGAGGCCATGCGTGCGGCCCAGGCAGGGTCCCTAGAGATCAGCA-3'
Protein context (NP_009117.2, residues 2297-2317): RSTLEQVERE[Arg2307Trp]RKLKREAMRA

ClinVar aggregate classification (germline): Uncertain significance (1 of 4 stars; one submission).

Allele frequency attached by ClinVar (database versions not stated): gnomAD 0.00001; gnomAD exomes 0.00001; TOPMed 0.00003.
gnomAD v4.1: 29 of 1,554,064 alleles (0.0019%); highest among the groups gnomAD compares: Non-Finnish European, 0.0024%; no homozygotes.

Submission:

Labcorp Genetics (formerly Invitae), Labcorp
Classification: Uncertain significance. Last evaluated: 2022-07-26. Review status: criteria provided, single submitter. Criteria: Invitae Variant Classification Sherloc (09022015). Collection method: clinical testing. Allele origin: germline.
Comment: This sequence change replaces arginine, which is basic and polar, with tryptophan, which is neutral and slightly polar, at codon 2307 of the CEP250 protein (p.Arg2307Trp). The frequency data for this variant in the population databases is considered unreliable, as metrics indicate poor data quality at this position in the gnomAD database. This missense change has been observed in individual(s) with congenital deafness (Invitae). ClinVar contains an entry for this variant (Variation ID: 1511179). Algorithms developed to predict the effect of missense changes on protein structure and function are either unavailable or do not agree on the potential impact of this missense change (SIFT: "Not Available"; PolyPhen-2: "Probably Damaging"; Align-GVGD: "Not Available"). In summary, the available evidence is currently insufficient to determine the role of this variant in disease. Therefore, it has been classified as a Variant of Uncertain Significance.